The following is an entry in ClinVar:

ClinVar aggregate classification (germline): Uncertain significance (1 of 4 stars; one submission).

Conditions:
Familial thoracic aortic aneurysm and aortic dissection (TAAD). Also called: Thoracic aortic aneurysms and dissections. Identifiers: Orphanet 91387, MedGen C4707243, MONDO:0019625.

Submission:

Ambry Genetics
Classification: Uncertain significance for Familial thoracic aortic aneurysm and aortic dissection. Last evaluated: 2024-01-11. Review status: criteria provided, single submitter. Criteria: Ambry Variant Classification Scheme 2023. Collection method: clinical testing. Allele origin: germline.
Comment: The p.S1926P variant (also known as c.5776T>C), located in coding exon 40 of the MED12 gene, results from a T to C substitution at nucleotide position 5776. The serine at codon 1926 is replaced by proline, an amino acid with similar properties. This amino acid position is conserved. In addition, this alteration is predicted to be tolerated by in silico analysis. Since supporting evidence is limited at this time, the clinical significance of this alteration remains unclear.

NM_005120.3(MED12):c.5776T>C (p.Ser1926Pro)

Gene: MED12 (mediator complex subunit 12; plus strand). Cytogenetic location: Xq13.1.
Variant type: single nucleotide variant.
Coding change: c.5776T>C on transcript NM_005120.3 (MANE Select); coding-DNA position 5776, T replaced by C.
Protein change: p.Ser1926Pro; replaces serine 1926 with proline.
Molecular consequence: missense variant.
Genome position (GRCh38, 1-based): chrX:71,137,585, T>C. VCF-style: chrX-71137585-T-C. GRCh37 (hg19) VCF-style: chrX-70357435-T-C.
Other names: short protein forms S1926P.
Identifiers: ClinVar variation 3224593 (VCV003224593.1), dbSNP rs2519714868, ClinGen allele CA413537841.
Genomic context (GRCh38, chrX:71,137,585, plus strand): 5'-CTGAGTTTGAGTTGTTCTCTTTTCTCCCTTTAGCAGAGTCAGGGCATGTTGGGACAGTCA[T>C]CTGTCCATCAGATGACTCCCAGCTCTTCCTACGGTTTGCAGACTTCCCAGGTAAGAGCCT-3'
Protein context (NP_005111.2, residues 1916-1936): QQSQGMLGQS[Ser1926Pro]VHQMTPSSSY